The following is an entry in ClinVar:

ClinVar aggregate classification (germline): Uncertain significance. Review status: criteria provided, multiple submitters, no conflicts (2 of 4 stars). 2 submissions from 2 submitters: Uncertain significance (2). Last evaluated 2025-05-20.

Conditions:
Inborn genetic diseases. Identifiers: MedGen C0950123, MeSH D030342.
Vici syndrome (VICIS). Identifiers: Orphanet 1493, MedGen C1855772, MONDO:0009452, OMIM 242840.

Allele frequency attached by ClinVar (database versions not stated): gnomAD 0.00001; gnomAD exomes 0.00001; TOPMed below 0.00001.

Submissions (2):

Ambry Genetics
Classification: Uncertain significance for Inborn genetic diseases. Last evaluated: 2025-05-20. Review status: criteria provided, single submitter. Criteria: Ambry Variant Classification Scheme 2023. Collection method: clinical testing. Allele origin: germline.

Labcorp Genetics (formerly Invitae), Labcorp
Classification: Uncertain significance for Vici syndrome. Last evaluated: 2021-08-24. Review status: criteria provided, single submitter. Criteria: Invitae Variant Classification Sherloc (09022015). Collection method: clinical testing. Allele origin: germline.
Comment: This sequence change replaces glutamic acid with aspartic acid at codon 709 of the EPG5 protein (p.Glu709Asp). The glutamic acid residue is moderately conserved and there is a small physicochemical difference between glutamic acid and aspartic acid. This variant is not present in population databases (ExAC no frequency). This variant has not been reported in the literature in individuals affected with EPG5-related conditions. Algorithms developed to predict the effect of missense changes on protein structure and function are either unavailable or do not agree on the potential impact of this missense change (SIFT: "Tolerated"; PolyPhen-2: "Probably Damaging"; Align-GVGD: "Class C0"). In summary, the available evidence is currently insufficient to determine the role of this variant in disease. Therefore, it has been classified as a Variant of Uncertain Significance.

NM_020964.3(EPG5):c.2127G>T (p.Glu709Asp)

Gene: EPG5 (ectopic P-granules 5 autophagy tethering factor; minus strand). Cytogenetic location: 18q21.1.
Variant type: single nucleotide variant.
Coding change: c.2127G>T on transcript NM_020964.3 (MANE Select); coding-DNA position 2127, G replaced by T.
Protein change: p.Glu709Asp; replaces glutamic acid 709 with aspartic acid.
Molecular consequence: missense variant.
Genome position (GRCh38, 1-based): chr18:45,934,939, C>A on the plus strand (G>T on the coding strand, the complement: EPG5 is on the minus strand). VCF-style: chr18-45934939-C-A. GRCh37 (hg19) VCF-style: chr18-43514905-C-A.
Other names: c.2127G>T, p.Glu709Asp (LRG_1234t1); short protein forms E709D.
Identifiers: ClinVar variation 639546 (VCV000639546.8), dbSNP rs950420567, ClinGen allele CA299776890.